The following is an entry in ClinVar:

NM_000213.5(ITGB4):c.3729G>A (p.Pro1243=)

Gene: ITGB4 (integrin subunit beta 4; plus strand). Cytogenetic location: 17q25.1.
Variant type: single nucleotide variant.
Coding change: c.3729G>A on transcript NM_000213.5 (MANE Select); coding-DNA position 3729, G replaced by A.
Protein change: p.Pro1243=; no amino-acid change (proline 1243 retained).
Molecular consequence: synonymous variant.
Genome position (GRCh38, 1-based): chr17:75,751,047, G>A. VCF-style: chr17-75751047-G-A. GRCh37 (hg19) VCF-style: chr17-73747128-G-A.
Other names: p.Pro1243=; c.3729G>A, p.Pro1243= (NM_001005619.2, NM_001005731.3, NM_001321123.2).
Identifiers: ClinVar variation 325183 (VCV000325183.16), dbSNP rs61735289, ClinGen allele CA8769920.

ClinVar aggregate classification (germline): Benign. Review status: criteria provided, multiple submitters, no conflicts (2 of 4 stars). 5 submissions from 5 submitters: Benign (5). Last evaluated 2026-02-04.

Conditions:
Junctional epidermolysis bullosa with pyloric atresia. Also called: ITGB4-Related Epidermolysis Bullosa with Pyloric Atresia; ITGA6-Related Epidermolysis Bullosa with Pyloric Atresia; EPIDERMOLYSIS BULLOSA, JUNCTIONAL 5B, WITH PYLORIC ATRESIA; APLASIA CUTIS CONGENITA WITH GASTROINTESTINAL ATRESIA; CARMI SYNDROME; EB-PA-ACC. Identifiers: Orphanet 79403, MedGen C5676875, MONDO:0009183, OMIM 226730.

Allele frequency attached by ClinVar (database versions not stated): 1000 Genomes Project 30x 0.01437; 1000 Genomes Project 0.01518; TOPMed 0.02238; gnomAD 0.02599 and 0.02627; ESP Exome Variant Server 0.02714; gnomAD exomes 0.02835 and 0.03462; ExAC 0.02926.
gnomAD v4.1: 54,439 of 1,613,858 alleles (3.4%); highest among the groups gnomAD compares: Non-Finnish European, 3.7%; 1,125 homozygotes.

Submissions (5):

Labcorp Genetics (formerly Invitae), Labcorp
Classification: Benign. Last evaluated: 2026-02-04. Review status: criteria provided, single submitter. Criteria: Invitae Variant Classification Sherloc (09022015). Collection method: clinical testing. Allele origin: germline.

Mayo Clinic Laboratories, Mayo Clinic
Classification: Benign. Last evaluated: 2023-04-03. Review status: criteria provided, single submitter. Criteria: ACMG Guidelines, 2015. Collection method: clinical testing. Allele origin: germline. Observed: 3 variant alleles.

GeneDx
Classification: Benign. Last evaluated: 2020-03-12. Review status: criteria provided, single submitter. Criteria: GeneDx Variant Classification Process June 2021. Collection method: clinical testing. Allele origin: germline. Affected: yes.

Illumina Laboratory Services, Illumina
Classification: Benign for Junctional epidermolysis bullosa with pyloric atresia. Last evaluated: 2018-01-13. Review status: criteria provided, single submitter. Criteria: ICSL Variant Classification Criteria 13 December 2019. Collection method: clinical testing. Allele origin: germline.
Comment: This variant was observed in the ICSL laboratory as part of a predisposition screen in an ostensibly healthy population. It had not been previously curated by ICSL or reported in the Human Gene Mutation Database (HGMD: prior to June 1st, 2018), and was therefore a candidate for classification through an automated scoring system. Utilizing variant allele frequency, disease prevalence and penetrance estimates, and inheritance mode, an automated score was calculated to assess if this variant is too frequent to cause the disease. Based on the score and internal cut-off values, a variant classified as benign is not then subjected to further curation. The score for this variant resulted in a classification of benign for this disease.

Breakthrough Genomics
Classification: Benign. Review status: criteria provided, single submitter. Criteria: ACMG Guidelines, 2015. Collection method: not provided. Allele origin: germline. Inheritance: Autosomal recessive inheritance. Affected: yes.